The following is an entry in ClinVar:

NM_005257.6(GATA6):c.1581C>G (p.Ser527Arg)

Gene: GATA6 (GATA binding protein 6; plus strand). Cytogenetic location: 18q11.2.
Variant type: single nucleotide variant.
Coding change: c.1581C>G on transcript NM_005257.6 (MANE Select); coding-DNA position 1581, C replaced by G.
Protein change: p.Ser527Arg; replaces serine 527 with arginine.
Molecular consequence: missense variant.
Genome position (GRCh38, 1-based): chr18:22,183,004, C>G. VCF-style: chr18-22183004-C-G. GRCh37 (hg19) VCF-style: chr18-19762965-C-G.
Other names: short protein forms S527R.
Identifiers: ClinVar variation 5002491 (VCV005002491.1).

ClinVar aggregate classification (germline): Uncertain significance (1 of 4 stars; one submission).

Conditions:
GATA6-related disorder. Also called: GATA6-related condition.

gnomAD v4.1: 1 of 1,614,024 alleles (0.000062%); highest among the groups gnomAD compares: Admixed American, 0.0017%; no homozygotes.

Submission:

PreventionGenetics, part of Exact Sciences
Classification: Uncertain significance for GATA6-related condition. Last evaluated: 2025-05-23. Review status: criteria provided, single submitter. Criteria: ACMG Guidelines, 2015. Collection method: clinical testing. Allele origin: germline.
Comment: The GATA6 c.1581C>G variant is predicted to result in the amino acid substitution p.Ser527Arg. To our knowledge, this variant has not been reported in the literature. This variant is reported in 0.0029% of alleles in individuals of Latino descent in gnomAD. At this time, the clinical significance of this variant is uncertain due to the absence of conclusive functional and genetic evidence.